The following is an entry in ClinVar:

ClinVar aggregate classification (germline): Uncertain significance. Review status: criteria provided, multiple submitters, no conflicts (2 of 4 stars). 3 submissions from 3 submitters: Uncertain significance (3). Last evaluated 2025-08-24.

Conditions:
Sialuria. Also called: Sialic Acid Storage Disease; SIALURIA, FRENCH TYPE. Identifiers: Orphanet 3166, MedGen C0342853, MONDO:0010028, OMIM 269921.
GNE myopathy (NM). Also called: INCLUSION BODY MYOPATHY, HEREDITARY, AUTOSOMAL RECESSIVE; INCLUSION BODY MYOPATHY 2, AUTOSOMAL RECESSIVE; MYOPATHY, DISTAL, WITH OR WITHOUT RIMMED VACUOLES; IBM 2; Inclusion body myopathy autosomal recessive; Inclusion body myopathy quadriceps sparing. Identifiers: Orphanet 602, MedGen C1853926, MONDO:0011603, OMIM 605820.
Inborn genetic diseases. Identifiers: MedGen C0950123, MeSH D030342.

Allele frequency attached by ClinVar (database versions not stated): gnomAD below 0.00001 and 0.00001; gnomAD exomes 0.00001 and 0.00002; ExAC 0.00002.
gnomAD v4.1: 15 of 1,613,642 alleles (0.00093%); highest among the groups gnomAD compares: South Asian, 0.015%; no homozygotes.

Submissions (3):

Labcorp Genetics (formerly Invitae), Labcorp
Classification: Uncertain significance for Sialuria; GNE myopathy. Last evaluated: 2025-08-24. Review status: criteria provided, single submitter. Criteria: Invitae Variant Classification Sherloc (09022015). Collection method: clinical testing. Allele origin: germline.
Comment: This sequence change replaces serine, which is neutral and polar, with glycine, which is neutral and non-polar, at codon 194 of the GNE protein (p.Ser194Gly). This variant is present in population databases (rs752740158, gnomAD 0.02%). This variant has not been reported in the literature in individuals affected with GNE-related conditions. ClinVar contains an entry for this variant (Variation ID: 283110). Invitae Evidence Modeling of protein sequence and biophysical properties (such as structural, functional, and spatial information, amino acid conservation, physicochemical variation, residue mobility, and thermodynamic stability) has been performed for this missense variant. However, the output from this modeling did not meet the statistical confidence thresholds required to predict the impact of this variant on GNE protein function. In summary, the available evidence is currently insufficient to determine the role of this variant in disease. Therefore, it has been classified as a Variant of Uncertain Significance.

Ambry Genetics
Classification: Uncertain significance for Inborn genetic diseases. Last evaluated: 2025-08-11. Review status: criteria provided, single submitter. Criteria: Ambry Variant Classification Scheme 2023. Collection method: clinical testing. Allele origin: germline.

Eurofins Ntd Llc (ga)
Classification: Uncertain significance. Last evaluated: 2015-09-09. Review status: criteria provided, single submitter. Criteria: EGL Classification Definitions 2015. Collection method: clinical testing. Allele origin: germline. Observed: 1 variant allele, 1 heterozygote.

NM_005476.7(GNE):c.487A>G (p.Ser163Gly)

Gene: GNE (glucosamine (UDP-N-acetyl)-2-epimerase/N-acetylmannosamine kinase; minus strand). Cytogenetic location: 9p13.3.
Variant type: single nucleotide variant.
Coding change: c.487A>G on transcript NM_005476.7 (MANE Select); coding-DNA position 487, A replaced by G.
Protein change: p.Ser163Gly; replaces serine 163 with glycine.
Molecular consequence: missense variant.
Genome position (GRCh38, 1-based): chr9:36,246,160, T>C on the plus strand (A>G on the coding strand, the complement: GNE is on the minus strand). VCF-style: chr9-36246160-T-C. GRCh37 (hg19) VCF-style: chr9-36246157-T-C.
Other names: c.580A>G, p.Ser194Gly (NM_001128227.3); c.487A>G, p.Ser163Gly (NM_001190383.3, NM_001374797.1); c.310A>G, p.Ser104Gly (NM_001190384.3, NM_001190388.2, NM_001374798.1); c.580A>G (NM_001128227.2); short protein forms S194G, S163G, S104G.
Identifiers: ClinVar variation 283110 (VCV000283110.7), dbSNP rs752740158, ClinGen allele CA5056720.